The following is an entry in ClinVar:

ClinVar aggregate classification (germline): Pathogenic/Likely pathogenic. Review status: criteria provided, multiple submitters, no conflicts (2 of 4 stars). 4 submissions from 4 submitters: Pathogenic (2); Likely pathogenic (2). Last evaluated 2025-03-11.

Conditions:
Congenital myopathy. Identifiers: Orphanet 97245, MedGen C0270960, MONDO:0019952.
Nemaline myopathy. Also called: Myopathies, Nemaline. Identifiers: Orphanet 607, MedGen C0206157, MONDO:0018958.
Arthrogryposis multiplex congenita 6. Identifiers: MedGen C5543431, MONDO:0030281, OMIM 619334.
Nemaline myopathy 2 (NEM2). Also called: Nemaline myopathy 2, autosomal recessive. Identifiers: MedGen C1850569, MONDO:0009725, OMIM 256030.

gnomAD v4.1: 2 of 1,613,942 alleles (0.00012%); highest among the groups gnomAD compares: Non-Finnish European, 0.00017%; no homozygotes.

Submissions (4):

Broad Center for Mendelian Genomics, Broad Institute of MIT and Harvard
Classification: Likely pathogenic for Nemaline myopathy. Last evaluated: 2025-03-11. Review status: criteria provided, single submitter. Criteria: ACMG Guidelines, 2015. Collection method: curation. Allele origin: germline. Inheritance: Autosomal recessive inheritance.
Comment: The p.Trp4054Ter variant in NEB has not been previously reported in the literature in individuals with nemaline myopathy, but has been identified in 0.0002% (2/1179858) of European (non-Finnish) chromosomes by the Genome Aggregation Database (gnomAD). Although this variant has been seen in the general population in a heterozygous state, its frequency is low enough to be consistent with a recessive carrier frequency. This variant has also been reported in ClinVar (Variation ID: 1954527) and has been interpreted as pathogenic by Invitae. This nonsense variant leads to a premature termination codon at position 4054, which is predicted to lead to a truncated or absent protein. Loss of function of the NEB gene is an established disease mechanism in autosomal recessive nemaline myopathy. In summary, although additional studies are required to fully establish its clinical significance, this variant is likely pathogenic for autosomal recessive nemaline myopathy. ACMG/AMP Criteria applied: PVS1, PM2_supporting (Richards 2015).

Baylor Genetics
Classification: Likely pathogenic for Arthrogryposis multiplex congenita 6. Last evaluated: 2024-02-25. Review status: criteria provided, single submitter. Criteria: ACMG Guidelines, 2015. Collection method: clinical testing. Allele origin: unknown.

Labcorp Genetics (formerly Invitae), Labcorp
Classification: Pathogenic for Nemaline myopathy 2. Last evaluated: 2022-08-08. Review status: criteria provided, single submitter. Criteria: Invitae Variant Classification Sherloc (09022015). Collection method: clinical testing. Allele origin: germline.
Comment: For these reasons, this variant has been classified as Pathogenic. This sequence change creates a premature translational stop signal (p.Trp4054*) in the NEB gene. It is expected to result in an absent or disrupted protein product. Loss-of-function variants in NEB are known to be pathogenic (PMID: 25205138). This variant is not present in population databases (gnomAD no frequency). This variant has not been reported in the literature in individuals affected with NEB-related conditions.

Cambridge Genomics Laboratory, East Genomic Laboratory Hub, NHS Genomic Medicine Service
Classification: Pathogenic for Congenital myopathy. Last evaluated: 2019-08-12. Review status: criteria provided, single submitter. Criteria: ACGS Best Practice Guidelines for Variant Classification in Rare Disease 2020. Collection method: clinical testing. Allele origin: germline. Affected: yes. Observed: 1 variant allele.

Literature cited by the submitters: PubMed 25205138 (cited by Labcorp Genetics (formerly Invitae), Labcorp).

NM_001164508.2(NEB):c.12162G>A (p.Trp4054Ter)

Gene: NEB (nebulin; minus strand). Cytogenetic location: 2q23.3.
Variant type: single nucleotide variant.
Coding change: c.12162G>A on transcript NM_001164508.2 (MANE Select); coding-DNA position 12162, G replaced by A.
Protein change: p.Trp4054Ter; replaces tryptophan 4054 with a stop codon.
Molecular consequence: nonsense.
Genome position (GRCh38, 1-based): chr2:151,609,977, C>T on the plus strand (G>A on the coding strand, the complement: NEB is on the minus strand). VCF-style: chr2-151609977-C-T. GRCh37 (hg19) VCF-style: chr2-152466491-C-T.
Other names: NM_001164508.2(NEB):c.12162G>A; p.Trp4054Ter; c.12162G>A, p.Trp4054Ter (NM_001164507.2, NM_001271208.2); c.11433G>A, p.Trp3811Ter (NM_004543.5); short protein forms W4054*, W3811*.
Identifiers: ClinVar variation 1954527 (VCV001954527.8), dbSNP rs2097887468, ClinGen allele CA348777384.